The following is an entry in ClinVar:

ClinVar aggregate classification (germline): Uncertain significance. Review status: criteria provided, multiple submitters, no conflicts (2 of 4 stars). 2 submissions from 2 submitters: Uncertain significance (2). Last evaluated 2023-05-31.

Allele frequency attached by ClinVar (database versions not stated): gnomAD exomes below 0.00001; ExAC 0.00001; gnomAD 0.00001; 1000 Genomes Project 0.00020; 1000 Genomes Project 30x 0.00031.
gnomAD v4.1: 10 of 1,575,428 alleles (0.00063%); highest among the groups gnomAD compares: South Asian, 0.0059%; no homozygotes.

Submissions (2):

Ambry Genetics
Classification: Uncertain significance. Last evaluated: 2023-05-31. Review status: criteria provided, single submitter. Criteria: Ambry Variant Classification Scheme 2023. Collection method: clinical testing. Allele origin: germline.

Labcorp Genetics (formerly Invitae), Labcorp
Classification: Uncertain significance. Last evaluated: 2022-08-21. Review status: criteria provided, single submitter. Criteria: Invitae Variant Classification Sherloc (09022015). Collection method: clinical testing. Allele origin: germline.
Comment: Algorithms developed to predict the effect of missense changes on protein structure and function (SIFT, PolyPhen-2, Align-GVGD) all suggest that this variant is likely to be tolerated. In summary, the available evidence is currently insufficient to determine the role of this variant in disease. Therefore, it has been classified as a Variant of Uncertain Significance. This variant has not been reported in the literature in individuals affected with MKL1-related conditions. This variant is present in population databases (rs368896220, gnomAD 0.006%). This sequence change replaces proline, which is neutral and non-polar, with serine, which is neutral and polar, at codon 630 of the MKL1 protein (p.Pro630Ser).

NM_020831.6(MRTFA):c.2188C>T (p.Pro730Ser)

Gene: MRTFA (myocardin related transcription factor A; minus strand). Cytogenetic location: 22q13.1.
Variant type: single nucleotide variant.
Coding change: c.2188C>T on transcript NM_020831.6 (MANE Select); coding-DNA position 2188, C replaced by T.
Protein change: p.Pro730Ser; replaces proline 730 with serine.
Molecular consequence: missense variant.
Genome position (GRCh38, 1-based): chr22:40,418,550, G>A on the plus strand (C>T on the coding strand, the complement: MRTFA is on the minus strand). VCF-style: chr22-40418550-G-A. GRCh37 (hg19) VCF-style: chr22-40814554-G-A.
Other names: c.1888C>T, p.Pro630Ser (NM_001282660.2); c.2038C>T, p.Pro680Ser (NM_001282661.3); c.2188C>T, p.Pro730Ser (NM_001282662.3); c.1993C>T, p.Pro665Ser (NM_001318139.2); c.1888C>T (NM_020831.3); short protein forms P665S, P680S, P630S, P730S.
Identifiers: ClinVar variation 2170377 (VCV002170377.6), dbSNP rs368896220, ClinGen allele CA10249430.